The following is an entry in ClinVar:

NM_053025.4(MYLK):c.184C>G (p.Pro62Ala)

Gene: MYLK (myosin light chain kinase; minus strand). Cytogenetic location: 3q21.1.
Variant type: single nucleotide variant.
Coding change: c.184C>G on transcript NM_053025.4 (MANE Select); coding-DNA position 184, C replaced by G.
Protein change: p.Pro62Ala; replaces proline 62 with alanine.
Molecular consequence: missense variant. On other transcripts: intron variant (1).
Genome position (GRCh38, 1-based): chr3:123,752,520, G>C on the plus strand (C>G on the coding strand, the complement: MYLK is on the minus strand). VCF-style: chr3-123752520-G-C. GRCh37 (hg19) VCF-style: chr3-123471367-G-C.
Other names: c.184C>G, p.Pro62Ala (NM_053026.4, NM_053027.4, NM_053028.4); c.-155-12519C>G (NM_001321309.2); short protein forms P62A.
Identifiers: ClinVar variation 1781299 (VCV001781299.2), dbSNP rs1376046700, ClinGen allele CA354245399.

ClinVar aggregate classification (germline): Uncertain significance (1 of 4 stars; one submission).

Conditions:
Familial thoracic aortic aneurysm and aortic dissection (TAAD). Also called: Thoracic aortic aneurysms and dissections. Identifiers: Orphanet 91387, MedGen C4707243, MONDO:0019625.

Allele frequency attached by ClinVar (database versions not stated): gnomAD 0.00001.
gnomAD v4.1: 1 of 1,613,580 alleles (0.000062%); highest among the groups gnomAD compares: African/African-American, 0.0013%; no homozygotes.

Submission:

Ambry Genetics
Classification: Uncertain significance for Familial thoracic aortic aneurysm and aortic dissection. Last evaluated: 2021-08-04. Review status: criteria provided, single submitter. Criteria: Ambry Variant Classification Scheme 2023. Collection method: clinical testing. Allele origin: germline.
Comment: The p.P62A variant (also known as c.184C>G), located in coding exon 2 of the MYLK gene, results from a C to G substitution at nucleotide position 184. The proline at codon 62 is replaced by alanine, an amino acid with highly similar properties. This amino acid position is conserved. In addition, the in silico prediction for this alteration is inconclusive. Since supporting evidence is limited at this time, the clinical significance of this alteration remains unclear.